The following is an entry in ClinVar:

NM_005006.7(NDUFS1):c.1670G>A (p.Arg557Gln)

Gene: NDUFS1 (NADH:ubiquinone oxidoreductase core subunit S1; minus strand). Cytogenetic location: 2q33.3.
Variant type: single nucleotide variant.
Coding change: c.1670G>A on transcript NM_005006.7 (MANE Select); coding-DNA position 1670, G replaced by A.
Protein change: p.Arg557Gln; replaces arginine 557 with glutamine.
Molecular consequence: missense variant.
Genome position (GRCh38, 1-based): chr2:206,130,126, C>T on the plus strand (G>A on the coding strand, the complement: NDUFS1 is on the minus strand). VCF-style: chr2-206130126-C-T. GRCh37 (hg19) VCF-style: chr2-206994850-C-T.
Other names: c.1562G>A, p.Arg521Gln (NM_001199981.2); c.1337G>A, p.Arg446Gln (NM_001199982.2); c.1499G>A, p.Arg500Gln (NM_001199983.2); c.1712G>A, p.Arg571Gln (NM_001199984.2); c.1670G>A (NM_005006.6); short protein forms R557Q, R446Q, R500Q, R521Q, R571Q.
Identifiers: ClinVar variation 2519681 (VCV002519681.26), dbSNP rs863224102, ClinGen allele CA321107.

ClinVar aggregate classification (germline): Uncertain significance. Review status: criteria provided, multiple submitters, no conflicts (2 of 4 stars). 2 submissions from 2 submitters: Uncertain significance (2). Last evaluated 2023-08-01.

Conditions:
Inborn genetic diseases. Identifiers: MedGen C0950123, MeSH D030342.

Submissions (2):

CeGaT Center for Human Genetics Tuebingen
Classification: Uncertain significance. Last evaluated: 2023-08-01. Review status: criteria provided, single submitter. Criteria: CeGaT Center For Human Genetics Tuebingen Variant Classification Criteria Version 2. Collection method: clinical testing. Allele origin: germline. Affected: yes. Observed: 1 variant allele.
Comment: NDUFS1: PM2

Ambry Genetics
Classification: Uncertain significance for Inborn genetic diseases. Last evaluated: 2023-04-13. Review status: criteria provided, single submitter. Criteria: Ambry Variant Classification Scheme 2023. Collection method: clinical testing. Allele origin: germline.